The following is an entry in ClinVar:

NM_198904.4(GABRG2):c.1029C>G (p.Phe343Leu)

Gene: GABRG2 (gamma-aminobutyric acid type A receptor subunit gamma2; plus strand). Cytogenetic location: 5q34.
Variant type: single nucleotide variant.
Coding change: c.1029C>G on transcript NM_198904.4 (MANE Select); coding-DNA position 1029, C replaced by G.
Protein change: p.Phe343Leu; replaces phenylalanine 343 with leucine.
Molecular consequence: missense variant. On other transcripts: intron variant (1).
Genome position (GRCh38, 1-based): chr5:162,149,214, C>G. VCF-style: chr5-162149214-C-G. GRCh37 (hg19) VCF-style: chr5-161576220-C-G.
Other names: p.F343L:TTC>TTG; c.1029C>G, p.Phe343Leu (NM_000816.3); c.1020C>G, p.Phe340Leu (NM_001375339.1); c.1026C>G, p.Phe342Leu (NM_001375341.1, NM_001375342.1); c.1149C>G, p.Phe383Leu (NM_001375343.1, NM_198903.2); c.1068C>G, p.Phe356Leu (NM_001375344.1); c.963C>G, p.Phe321Leu (NM_001375345.1, NM_001375346.1); c.942C>G, p.Phe314Leu (NM_001375347.1); and 3 more; short protein forms F343L, F383L, F203L, F248L, F314L, F321L, F340L, F342L.
Identifiers: ClinVar variation 205551 (VCV000205551.2), dbSNP rs796052511, ClinGen allele CA314738.

ClinVar aggregate classification (germline): Uncertain significance (1 of 4 stars; one submission).

Submission:

GeneDx
Classification: Uncertain significance. Last evaluated: 2013-08-14. Review status: criteria provided, single submitter. Criteria: GeneDx Variant Classification (06012015). Collection method: clinical testing. Allele origin: germline. Affected: yes.
Comment: p.Phe343Leu (TTC>TTG): c.1029 C>G in exon 8 of the GABRG2 gene (NM_000816.3) The Phe343Leu missense change has not been published as a mutation, nor has it been reported as a benign polymorphism to our knowledge. It was not observed in approximately 6,500 individuals of European and African American ancestry in the NHLBI Exome Sequencing Project, indicating it is not a common benign variant in these populations. This variant is a conservative substitution of one uncharged, non-polar amino acid for another. It alters a conserved position in the third transmembrane domain of the protein. In silico analysis is inconsistent with regard to the effect this variant may have on the protein structure/function. Therefore, based on the currently available information, it is unclear whether Phe343Leu is a disease-causing mutation or a rare benign variant. The variant is found in EPILEPSY panel(s).